The following is an entry in ClinVar:

ClinVar aggregate classification (germline): Pathogenic/Likely pathogenic. Review status: criteria provided, multiple submitters, no conflicts (2 of 4 stars). 3 submissions from 3 submitters: Pathogenic (1); Likely pathogenic (2). Last evaluated 2022-03-21.

Conditions:
Intellectual developmental disorder, autosomal dominant 6, with or without seizures. Also called: Intellectual disability, autosomal dominant 6; GRIN2B-related developmental delay, intellectual disability and autism spectrum disorder. Identifiers: Orphanet 589547, MedGen C3151411, MONDO:0013509, OMIM 613970.
Developmental and epileptic encephalopathy, 27 (DEE27). Also called: Epileptic encephalopathy, early infantile, 27; GRIN2B-Related Neurodevelopmental Disorder. Identifiers: Orphanet 3451, MedGen C4015316, MONDO:0014505, OMIM 616139.

Allele frequency attached by ClinVar (database versions not stated): gnomAD exomes below 0.00001.
gnomAD v4.1: 1 of 1,614,070 alleles (0.000062%); highest among the groups gnomAD compares: Non-Finnish European, 0.000085%; no homozygotes.

Submissions (3):

Baylor Genetics
Classification: Likely pathogenic for Intellectual developmental disorder, autosomal dominant 6, with or without seizures. Last evaluated: 2022-03-21. Review status: criteria provided, single submitter. Criteria: ACMG Guidelines, 2015. Collection method: clinical testing. Allele origin: unknown.

GeneDx
Classification: Likely pathogenic. Last evaluated: 2021-12-09. Review status: criteria provided, single submitter. Criteria: GeneDx Variant Classification Process June 2021. Collection method: clinical testing. Allele origin: germline. Affected: yes.
Comment: In silico analysis supports that this missense variant does not alter protein structure/function; This variant is associated with the following publications: (PMID: 34695666, 28377535, 31526516)

Labcorp Genetics (formerly Invitae), Labcorp
Classification: Pathogenic for Developmental and epileptic encephalopathy, 27; Intellectual developmental disorder, autosomal dominant 6, with or without seizures. Last evaluated: 2019-03-13. Review status: criteria provided, single submitter. Criteria: Invitae Variant Classification Sherloc (09022015). Collection method: clinical testing. Allele origin: germline.
Comment: For these reasons, this variant has been classified as Pathogenic. This variant has been observed to be de novo in individuals affected with early infantile epileptic encephalopathy (PMID: 28377535, Invitae). ClinVar contains an entry for this variant (Variation ID: 234696). Algorithms developed to predict the effect of missense changes on protein structure and function are either unavailable or do not agree on the potential impact of this missense change (SIFT: "Deleterious"; PolyPhen-2: "Probably Damaging"; Align-GVGD: "Class C0"). This sequence change replaces arginine with histidine at codon 1111 of the GRIN2B protein (p.Arg1111His). The arginine residue is highly conserved and there is a small physicochemical difference between arginine and histidine. This variant is not present in population databases (ExAC no frequency).

Literature cited by the submitters: PubMed 28377535 (cited by Labcorp Genetics (formerly Invitae), Labcorp).

NM_000834.5(GRIN2B):c.3332G>A (p.Arg1111His)

Gene: GRIN2B (glutamate ionotropic receptor NMDA type subunit 2B; minus strand). Cytogenetic location: 12p13.1.
Variant type: single nucleotide variant.
Coding change: c.3332G>A on transcript NM_000834.5 (MANE Select); coding-DNA position 3332, G replaced by A.
Protein change: p.Arg1111His; replaces arginine 1111 with histidine.
Molecular consequence: missense variant.
Genome position (GRCh38, 1-based): chr12:13,563,906, C>T on the plus strand (G>A on the coding strand, the complement: GRIN2B is on the minus strand). VCF-style: chr12-13563906-C-T. GRCh37 (hg19) VCF-style: chr12-13716840-C-T.
Other names: c.3332G>A (NM_000834.4); short protein forms R1111H.
Identifiers: ClinVar variation 234696 (VCV000234696.16), dbSNP rs876661167, ClinGen allele CA10577438.
Genomic context (GRCh38, chr12:13,563,906, plus strand): 5'-TCCCGTAGCCCTTCCTTGTCCCTGAAGTAGCGCTTGTGGTCAGGGGAGCGGGGCGGTCGG[C>T]GACGGTAGGCCAGCTCGATCTCGTCAAACTCCCTGCGGGACTTGGCCGAGGCAGGCCGCT-3'
Protein context (NP_000825.2, residues 1101-1121): EFDEIELAYR[Arg1111His]RPPRSPDHKR